The following is an entry in ClinVar:

ClinVar aggregate classification (germline): Uncertain significance (1 of 4 stars; one submission).

Allele frequency attached by ClinVar (database versions not stated): gnomAD exomes below 0.00001 and 0.00001.
gnomAD v4.1: 2 of 1,551,636 alleles (0.00013%); highest among the groups gnomAD compares: Non-Finnish European, 0.00017%; no homozygotes.

Submission:

Labcorp Genetics (formerly Invitae), Labcorp
Classification: Uncertain significance. Last evaluated: 2022-07-25. Review status: criteria provided, single submitter. Criteria: Invitae Variant Classification Sherloc (09022015). Collection method: clinical testing. Allele origin: germline.
Comment: This sequence change replaces asparagine with serine at codon 1263 of the UNC80 protein (p.Asn1263Ser). The asparagine residue is weakly conserved and there is a small physicochemical difference between asparagine and serine. This variant is present in population databases (no rsID available, gnomAD 0.002%). This variant has not been reported in the literature in individuals affected with UNC80-related conditions. ClinVar contains an entry for this variant (Variation ID: 1480135). Algorithms developed to predict the effect of missense changes on protein structure and function are either unavailable or do not agree on the potential impact of this missense change (SIFT: "Not Available"; PolyPhen-2: "Probably Damaging"; Align-GVGD: "Not Available"). Algorithms developed to predict the effect of sequence changes on RNA splicing suggest that this variant may create or strengthen a splice site. In summary, the available evidence is currently insufficient to determine the role of this variant in disease. Therefore, it has been classified as a Variant of Uncertain Significance.

NM_001371986.1(UNC80):c.3782A>G (p.Asn1261Ser)

Genes: UNC80 (unc-80 subunit of NALCN channel complex; plus strand), LOC121725110 (Sharpr-MPRA regulatory region 8902; plus strand). Cytogenetic location: 2q34.
Variant type: single nucleotide variant.
Coding change: c.3782A>G on transcript NM_001371986.1 (MANE Select); coding-DNA position 3782, A replaced by G.
Protein change: p.Asn1261Ser; replaces asparagine 1261 with serine.
Molecular consequence: missense variant.
Genome position (GRCh38, 1-based): chr2:209,872,912, A>G. VCF-style: chr2-209872912-A-G. GRCh37 (hg19) VCF-style: chr2-210737636-A-G.
Other names: c.3788A>G, p.Asn1263Ser (NM_032504.2); c.3773A>G, p.Asn1258Ser (NM_182587.4); short protein forms N1263S, N1261S, N1258S.
Identifiers: ClinVar variation 1480135 (VCV001480135.8), dbSNP rs1362713823, ClinGen allele CA350742518.